The following is an entry in ClinVar:

NM_014672.4(PRORP):c.690G>A (p.Leu230=)

Genes: PRORP (protein only RNase P catalytic subunit; plus strand), PRORP-PSMA6 (PRORP-PSMA6 readthrough; plus strand). Cytogenetic location: 14q13.2.
Variant type: single nucleotide variant.
Coding change: c.690G>A on transcript NM_014672.4 (MANE Select); coding-DNA position 690, G replaced by A.
Protein change: p.Leu230=; no amino-acid change (leucine 230 retained).
Molecular consequence: synonymous variant. On other transcripts: non-coding transcript variant (4), intron variant (2).
Genome position (GRCh38, 1-based): chr14:35,123,935, G>A. VCF-style: chr14-35123935-G-A. GRCh37 (hg19) VCF-style: chr14-35593141-G-A.
Other names: c.690G>A, p.Leu230= (NM_001256678.2, NM_001414503.1); c.405G>A, p.Leu135= (NM_001256679.2); c.-131+1025G>A (NM_001256680.2); c.-83+1025G>A (NM_001256681.2).
Identifiers: ClinVar variation 3038940 (VCV003038940.2), dbSNP rs1306752806, ClinGen allele CA486094991.

ClinVar aggregate classification (germline): Likely benign (0 of 4 stars; one submission).

Conditions:
PRORP-related disorder. Also called: PRORP-related condition.

Allele frequency attached by ClinVar (database versions not stated): gnomAD exomes below 0.00001; gnomAD 0.00001.
gnomAD v4.1: 5 of 1,613,998 alleles (0.00031%); highest among the groups gnomAD compares: East Asian, 0.0045%; no homozygotes.

Submission:

PreventionGenetics, part of Exact Sciences
Classification: Likely benign for PRORP-related condition. Last evaluated: 2019-05-22. Review status: no assertion criteria provided. Collection method: clinical testing. Allele origin: germline.
Comment: This variant is classified as likely benign based on ACMG/AMP sequence variant interpretation guidelines (Richards et al. 2015 PMID: 25741868, with internal and published modifications).